The following is an entry in ClinVar:

ClinVar aggregate classification (germline): Uncertain significance (1 of 4 stars; one submission).

Conditions:
Spastic paraplegia. Identifiers: MedGen C0037772, HP:0001258.

Submission:

Labcorp Genetics (formerly Invitae), Labcorp
Classification: Uncertain significance for Spastic paraplegia. Last evaluated: 2025-12-20. Review status: criteria provided, single submitter. Criteria: Invitae Variant Classification Sherloc (09022015). Collection method: clinical testing. Allele origin: germline.
Comment: This sequence change replaces valine, which is neutral and non-polar, with methionine, which is neutral and non-polar, at codon 415 of the ARSI protein (p.Val415Met). This variant is present in population databases (rs770795439, gnomAD 0.004%). This variant has not been reported in the literature in individuals affected with ARSI-related conditions. Invitae Evidence Modeling of protein sequence and biophysical properties (such as structural, functional, and spatial information, amino acid conservation, physicochemical variation, residue mobility, and thermodynamic stability) indicates that this missense variant is not expected to disrupt ARSI protein function with a negative predictive value of 80%. In summary, the available evidence is currently insufficient to determine the role of this variant in disease. Therefore, it has been classified as a Variant of Uncertain Significance.

NM_001012301.4(ARSI):c.1243G>A (p.Val415Met)

Gene: ARSI (arylsulfatase family member I; minus strand). Cytogenetic location: 5q32.
Variant type: single nucleotide variant.
Coding change: c.1243G>A on transcript NM_001012301.4 (MANE Select); coding-DNA position 1243, G replaced by A.
Protein change: p.Val415Met; replaces valine 415 with methionine.
Molecular consequence: missense variant.
Genome position (GRCh38, 1-based): chr5:150,297,681, C>T on the plus strand (G>A on the coding strand, the complement: ARSI is on the minus strand). VCF-style: chr5-150297681-C-T. GRCh37 (hg19) VCF-style: chr5-149677244-C-T.
Other names: short protein forms V415M.
Identifiers: ClinVar variation 4747636 (VCV004747636.1).